The following is an entry in ClinVar:

ClinVar aggregate classification (germline): Uncertain significance (1 of 4 stars; one submission).

Submission:

Labcorp Genetics (formerly Invitae), Labcorp
Classification: Uncertain significance. Last evaluated: 2025-03-11. Review status: criteria provided, single submitter. Criteria: Invitae Variant Classification Sherloc (09022015). Collection method: clinical testing. Allele origin: germline.
Comment: This sequence change replaces glutamic acid, which is acidic and polar, with lysine, which is basic and polar, at codon 76 of the RGS9BP protein (p.Glu76Lys). This variant is not present in population databases (gnomAD no frequency). This variant has not been reported in the literature in individuals affected with RGS9BP-related conditions. ClinVar contains an entry for this variant (Variation ID: 1369727). An algorithm developed to predict the effect of missense changes on protein structure and function (PolyPhen-2) suggests that this variant is likely to be disruptive. In summary, the available evidence is currently insufficient to determine the role of this variant in disease. Therefore, it has been classified as a Variant of Uncertain Significance.

NM_207391.3(RGS9BP):c.226G>A (p.Glu76Lys)

Gene: RGS9BP (regulator of G protein signaling 9 binding protein; plus strand). Cytogenetic location: 19q13.11.
Variant type: single nucleotide variant.
Coding change: c.226G>A on transcript NM_207391.3 (MANE Select); coding-DNA position 226, G replaced by A.
Protein change: p.Glu76Lys; replaces glutamic acid 76 with lysine.
Molecular consequence: missense variant.
Genome position (GRCh38, 1-based): chr19:32,676,489, G>A. VCF-style: chr19-32676489-G-A. GRCh37 (hg19) VCF-style: chr19-33167395-G-A.
Other names: short protein forms E76K.
Identifiers: ClinVar variation 1369727 (VCV001369727.8), dbSNP rs2145338787, ClinGen allele CA405185961.
Genomic context (GRCh38, chr19:32,676,489, plus strand): 5'-GCCCGGCTGACTGCTGTGCTGCGCGACCGGGGCCTGGCCGCCGACGAGCGCGCCGAGTTC[G>A]AGCGGCTCTGGGTGGCCTTCTCGGGCTGCCTGGACCTGCTGGAAGCGGACATGCGACGCG-3'
Protein context (NP_997274.2, residues 66-86): GLAADERAEF[Glu76Lys]RLWVAFSGCL